The following is an entry in ClinVar:

ClinVar aggregate classification (germline): Uncertain significance (1 of 4 stars; one submission).

Conditions:
Hereditary cancer-predisposing syndrome. Also called: Neoplastic Syndromes, Hereditary; Tumor predisposition; Hereditary Cancer Syndrome; Hereditary neoplastic syndrome. Identifiers: Orphanet 140162, MedGen C0027672, MeSH D009386, MONDO:0015356.

Submission:

Ambry Genetics
Classification: Uncertain significance for Hereditary cancer-predisposing syndrome. Last evaluated: 2022-11-15. Review status: criteria provided, single submitter. Criteria: Ambry Variant Classification Scheme 2023. Collection method: clinical testing. Allele origin: germline.
Comment: The p.L388F variant (also known as c.1162C>T), located in coding exon 6 of the SMARCA4 gene, results from a C to T substitution at nucleotide position 1162. The leucine at codon 388 is replaced by phenylalanine, an amino acid with highly similar properties. This amino acid position is highly conserved in available vertebrate species. In addition, the in silico prediction for this alteration is inconclusive. Missense and in-frame variants in SMARCA4 are known to cause neurodevelopmental disorders; however, such associations with rhabdoid tumor predisposition syndrome including small cell carcinoma of the ovary-hypercalcemic type (SCCOHT) are exceedingly rare (Kosho T et al. Am J Med Genet C Semin Med Genet. 2014 Sep;166C(3):262-75; Jelinic P et al. Nat Genet. 2014 May;46(5):424-6). Based on the supporting evidence, the association of this alteration with Coffin-Siris syndrome is unknown; however, the association of this alteration with rhabdoid tumor predisposition syndrome is unlikely.

NM_003072.5(SMARCA4):c.1162C>T (p.Leu388Phe)

Gene: SMARCA4 (SWI/SNF related BAF chromatin remodeling complex subunit ATPase 4; plus strand). Cytogenetic location: 19p13.2.
Variant type: single nucleotide variant.
Coding change: c.1162C>T on transcript NM_003072.5 (MANE Select); coding-DNA position 1162, C replaced by T.
Protein change: p.Leu388Phe; replaces leucine 388 with phenylalanine.
Molecular consequence: missense variant. On other transcripts: non-coding transcript variant (1).
Genome position (GRCh38, 1-based): chr19:10,989,360, C>T. VCF-style: chr19-10989360-C-T. GRCh37 (hg19) VCF-style: chr19-11100036-C-T.
Other names: c.1162C>T, p.Leu388Phe (NM_001128844.3, NM_001128845.2, NM_001128846.2 and 6 more transcripts); short protein forms L388F.
Identifiers: ClinVar variation 1737229 (VCV001737229.3), dbSNP rs919094109, ClinGen allele CA404059508.